The following is an entry in ClinVar:

ClinVar aggregate classification (germline): Uncertain significance (1 of 4 stars; one submission).

Allele frequency attached by ClinVar (database versions not stated): TOPMed below 0.00001; gnomAD exomes 0.00001.
gnomAD v4.1: 2 of 1,550,744 alleles (0.00013%); highest among the groups gnomAD compares: Admixed American, 0.0039%; no homozygotes.

Submission:

GeneDx
Classification: Uncertain significance. Last evaluated: 2022-01-06. Review status: criteria provided, single submitter. Criteria: GeneDx Variant Classification Process June 2021. Collection method: clinical testing. Allele origin: germline. Affected: yes.
Comment: In silico analysis supports that this missense variant has a deleterious effect on protein structure/function; Has not been previously published as pathogenic or benign to our knowledge

NM_016239.4(MYO15A):c.7957C>A (p.Pro2653Thr)

Gene: MYO15A (myosin XVA; plus strand). Cytogenetic location: 17p11.2.
Variant type: single nucleotide variant.
Coding change: c.7957C>A on transcript NM_016239.4 (MANE Select); coding-DNA position 7957, C replaced by A.
Protein change: p.Pro2653Thr; replaces proline 2653 with threonine.
Molecular consequence: missense variant.
Genome position (GRCh38, 1-based): chr17:18,152,175, C>A. VCF-style: chr17-18152175-C-A. GRCh37 (hg19) VCF-style: chr17-18055489-C-A.
Other names: short protein forms P2653T.
Identifiers: ClinVar variation 1695660 (VCV001695660.2), dbSNP rs1373504155, ClinGen allele CA398622370.